The following is an entry in ClinVar:

ClinVar aggregate classification (germline): Benign (0 of 4 stars; one submission).

Conditions:
DCHS2-related disorder. Also called: DCHS2-related condition.

Allele frequency attached by ClinVar (database versions not stated): TOPMed 0.24611; ESP Exome Variant Server 0.25012; 1000 Genomes Project 30x 0.25718; 1000 Genomes Project 0.26298; gnomAD 0.26736; ExAC 0.31852; gnomAD exomes 0.33142.
gnomAD v4.1: 524,076 of 1,613,818 alleles (32%); highest among the groups gnomAD compares: East Asian, 39%; 88,247 homozygotes.

Submission:

PreventionGenetics, part of Exact Sciences
Classification: Benign for DCHS2-related condition. Last evaluated: 2019-10-21. Review status: no assertion criteria provided. Collection method: clinical testing. Allele origin: germline.
Comment: This variant is classified as benign based on ACMG/AMP sequence variant interpretation guidelines (Richards et al. 2015 PMID: 25741868, with internal and published modifications).

NM_001358235.2(DCHS2):c.4979C>T (p.Ser1660Leu)

Gene: DCHS2 (dachsous cadherin-related 2; minus strand). Cytogenetic location: 4q31.3.
Variant type: single nucleotide variant.
Coding change: c.4979C>T on transcript NM_001358235.2 (MANE Select); coding-DNA position 4979, C replaced by T.
Protein change: p.Ser1660Leu; replaces serine 1660 with leucine.
Molecular consequence: missense variant.
Genome position (GRCh38, 1-based): chr4:154,320,420, G>A on the plus strand (C>T on the coding strand, the complement: DCHS2 is on the minus strand). VCF-style: chr4-154320420-G-A. GRCh37 (hg19) VCF-style: chr4-155241572-G-A.
Other names: short protein forms S1660L.
Identifiers: ClinVar variation 3059062 (VCV003059062.2), dbSNP rs11935573, ClinGen allele CA3112763.